The following is an entry in ClinVar:

ClinVar aggregate classification (germline): Conflicting classifications of pathogenicity. Review status: criteria provided, conflicting classifications (1 of 4 stars). 3 submissions from 3 submitters: Likely pathogenic (2); Uncertain significance (1). Last evaluated 2024-05-02.

Conditions:
Malignant hyperthermia, susceptibility to, 1 (MHS1). Also called: Malignant hyperthermia suceptibility 1; RYR1-Related Malignant Hyperthermia Susceptibility; Anesthesia related hyperthermia; Malignant hyperpyrexia; Fulminating hyperpyrexia; Pharmacogenic myopathy. Identifiers: Orphanet 423, MedGen C2930980, MONDO:0007783, OMIM 145600.

Submissions (3):

GeneDx
Classification: Likely pathogenic. Last evaluated: 2024-05-02. Review status: criteria provided, single submitter. Criteria: GeneDx Variant Classification Process June 2021. Collection method: clinical testing. Allele origin: germline.
Comment: Identified in the heterozygous state in an individual with a non-specific neurological disorder; however additional clinical details and segregation studies were not provided (PMID: 33258288); Nonsense variant predicted to result in protein truncation as the last 29 amino acids are lost, although loss-of-function variants have not been reported downstream of this position in the protein; Not observed at significant frequency in large population cohorts (gnomAD); This variant is associated with the following publications: (PMID: 33258288)

All of Us Research Program, National Institutes of Health
Classification: Uncertain significance for Malignant hyperthermia, susceptibility to, 1. Last evaluated: 2023-12-13. Review status: criteria provided, single submitter. Criteria: ACMG Guidelines, 2015. Collection method: clinical testing. Allele origin: germline. Inheritance: Autosomal dominant inheritance. Observed: 1 variant allele, 1 heterozygote.
Comment: This variant changes 1 nucleotide in exon 106 of the RYR1 gene, creating a premature translation stop signal in the last coding exon. This variant is predicted to escape nonsense-mediated decay and be expressed as a truncated protein. To our knowledge, functional studies have not been reported for this variant. This variant has not been reported in individuals affected with autosomal dominant malignant hyperthermia in the literature, although it is associated with other phenotype(s) (ClinVar variation ID: 425187). This variant has not been identified in the general population by the Genome Aggregation Database (gnomAD). Due to insufficient evidence, this variant is classified as a Variant of Uncertain Significance for autosomal dominant malignant hyperthermia.

This study involves interpretation of variants in research participants for the purpose of population health screening. Participant phenotype was not available at the time of variant classification. Additional details can be found in publication PMID: 35346344, PMCID: PMC8962531

CeGaT Center for Human Genetics Tuebingen
Classification: Likely pathogenic. Last evaluated: 2016-07-01. Review status: criteria provided, single submitter. Criteria: CeGaT Center For Human Genetics Tuebingen Variant Classification Criteria Version 2. Collection method: clinical testing. Allele origin: germline. Affected: yes. Observed: 1 variant allele.

NM_000540.3(RYR1):c.15030T>A (p.Tyr5010Ter)

Gene: RYR1 (ryanodine receptor 1; plus strand). Cytogenetic location: 19q13.2.
Variant type: single nucleotide variant.
Coding change: c.15030T>A on transcript NM_000540.3 (MANE Select); coding-DNA position 15030, T replaced by A.
Protein change: p.Tyr5010Ter; replaces tyrosine 5010 with a stop codon.
Molecular consequence: nonsense.
Genome position (GRCh38, 1-based): chr19:38,587,333, T>A. VCF-style: chr19-38587333-T-A. GRCh37 (hg19) VCF-style: chr19-39077973-T-A.
Other names: c.15015T>A, p.Tyr5005Ter (NM_001042723.2); short protein forms Y5010*, Y5005*.
Identifiers: ClinVar variation 425187 (VCV000425187.45), dbSNP rs1064797243, ClinGen allele CA16621739.